The following is an entry in ClinVar:

NM_001303264.2(TSC22D2):c.1084C>T (p.Pro362Ser)

Gene: TSC22D2 (TSC22 domain family member 2; plus strand). Cytogenetic location: 3q25.1.
Variant type: single nucleotide variant.
Coding change: c.1084C>T on transcript NM_001303264.2 (MANE Select); coding-DNA position 1084, C replaced by T.
Protein change: p.Pro362Ser; replaces proline 362 with serine.
Molecular consequence: missense variant. On other transcripts: non-coding transcript variant (1).
Genome position (GRCh38, 1-based): chr3:150,410,434, C>T. VCF-style: chr3-150410434-C-T. GRCh37 (hg19) VCF-style: chr3-150128221-C-T.
Other names: c.1084C>T, p.Pro362Ser (NM_014779.4); short protein forms P362S.
Identifiers: ClinVar variation 2523554 (VCV002523554.3), dbSNP rs769513395, ClinGen allele CA2663924.

ClinVar aggregate classification (germline): Uncertain significance (1 of 4 stars; one submission).

Allele frequency attached by ClinVar (database versions not stated): TOPMed 0.00001; ExAC 0.00006; gnomAD 0.00001.
gnomAD v4.1: 22 of 1,609,418 alleles (0.0014%); highest among the groups gnomAD compares: East Asian, 0.02%; no homozygotes.

Submission:

Ambry Genetics
Classification: Uncertain significance. Last evaluated: 2025-11-13. Review status: criteria provided, single submitter. Criteria: Ambry Variant Classification Scheme 2023. Collection method: clinical testing. Allele origin: germline.
Comment: The c.1084C>T (p.P362S) alteration is located in exon 1 (coding exon 1) of the TSC22D2 gene. This alteration results from a C to T substitution at nucleotide position 1084, causing the proline (P) at amino acid position 362 to be replaced by a serine (S). Based on data from gnomAD, the T allele has an overall frequency of 0.004% (10/229270) total alleles studied. The highest observed frequency was 0.058% (10/17368) of East Asian alleles. Based on insufficient or conflicting evidence, the clinical significance of this alteration remains unclear.